The following is an entry in ClinVar:

ClinVar aggregate classification (germline): Uncertain significance (1 of 4 stars; one submission).

Conditions:
Early-onset Lafora body disease. Also called: Epilepsy, progressive myoclonic, 10. Identifiers: Orphanet 324290, MedGen C4225258, MONDO:0014717, OMIM 616640.

gnomAD v4.1: 1 of 1,601,954 alleles (0.000062%); no homozygotes.

Submission:

Labcorp Genetics (formerly Invitae), Labcorp
Classification: Uncertain significance for Early-onset Lafora body disease. Last evaluated: 2021-11-29. Review status: criteria provided, single submitter. Criteria: Invitae Variant Classification Sherloc (09022015). Collection method: clinical testing. Allele origin: germline.
Comment: In summary, the available evidence is currently insufficient to determine the role of this variant in disease. Therefore, it has been classified as a Variant of Uncertain Significance. This variant has not been reported in the literature in individuals affected with PRDM8-related conditions. Algorithms developed to predict the effect of missense changes on protein structure and function are either unavailable or do not agree on the potential impact of this missense change (SIFT: "Deleterious"; PolyPhen-2: "Possibly Damaging"; Align-GVGD: "Class C0"). This variant is not present in population databases (gnomAD no frequency). This sequence change replaces glycine, which is neutral and non-polar, with cysteine, which is neutral and slightly polar, at codon 294 of the PRDM8 protein (p.Gly294Cys).

NM_001099403.2(PRDM8):c.880G>T (p.Gly294Cys)

Gene: PRDM8 (PR/SET domain 8; plus strand). Cytogenetic location: 4q21.21.
Variant type: single nucleotide variant.
Coding change: c.880G>T on transcript NM_001099403.2 (MANE Select); coding-DNA position 880, G replaced by T.
Protein change: p.Gly294Cys; replaces glycine 294 with cysteine.
Molecular consequence: missense variant.
Genome position (GRCh38, 1-based): chr4:80,202,342, G>T. VCF-style: chr4-80202342-G-T. GRCh37 (hg19) VCF-style: chr4-81123496-G-T.
Other names: c.880G>T, p.Gly294Cys (NM_020226.4); short protein forms G294C.
Identifiers: ClinVar variation 1395360 (VCV001395360.6), dbSNP rs1738555862, ClinGen allele CA357395520.